The following is an entry in ClinVar:

NM_000059.4(BRCA2):c.6809del (p.Gly2270fs)

Gene: BRCA2 (BRCA2 DNA repair associated; plus strand). Cytogenetic location: 13q13.1.
Variant type: Deletion.
Coding change: c.6809del on transcript NM_000059.4 (MANE Select); coding-DNA position 6809, one base deleted (G; older notation c.6809delG).
Protein change: p.Gly2270fs; shifts the reading frame from glycine 2270.
Molecular consequence: frameshift variant.
Genome position (GRCh38, 1-based): chr13:32,341,164, G deleted; the last of 2 consecutive G bases (chr13:32,341,163-32,341,164); deleting either gives the same sequence. VCF-style (leftmost placement, unchanged base first): chr13-32341162-TG-T. GRCh37 (hg19) VCF-style: chr13-32915299-TG-T.
Other names: 7037delG; c.6809delG (NM_000059.3); c.6809del (NM_000059.3); short protein forms G2270fs.
Identifiers: ClinVar variation 52192 (VCV000052192.8), dbSNP rs80359625, ClinGen allele CA024424.

ClinVar aggregate classification (germline): Pathogenic. Review status: reviewed by expert panel (3 of 4 stars). 4 submissions from 4 submitters: Pathogenic (1). 3 of the submissions do not count toward it. Last evaluated 2016-09-08.

Conditions:
Hereditary cancer-predisposing syndrome. Also called: Neoplastic Syndromes, Hereditary; Tumor predisposition; Hereditary neoplastic syndrome; Hereditary Cancer Syndrome. Identifiers: Orphanet 140162, MedGen C0027672, MeSH D009386, MONDO:0015356.
Breast-ovarian cancer, familial, susceptibility to, 2 (BROVCA2). Also called: BRCA2 Hereditary Breast and Ovarian Cancer. Identifiers: Orphanet 145, MedGen C2675520, MONDO:0012933, OMIM 612555. Disease mechanism: loss of function.

Submissions (4):

Evidence-based Network for the Interpretation of Germline Mutant Alleles (ENIGMA)
Classification: Pathogenic for Breast-ovarian cancer, familial, susceptibility to, 2. Last evaluated: 2016-09-08. Review status: reviewed by expert panel. Criteria: ENIGMA BRCA1/2 Classification Criteria (2015). Collection method: curation. Allele origin: germline.
Comment: Variant allele predicted to encode a truncated non-functional protein.

Ambry Genetics
Classification: Pathogenic for Hereditary cancer-predisposing syndrome. Last evaluated: 2025-04-07. Review status: criteria provided, single submitter. Criteria: Ambry Variant Classification Scheme 2023. Collection method: clinical testing. Allele origin: germline. Not counted in ClinVar's aggregate classification.
Comment: The c.6809delG pathogenic mutation, located in coding exon 10 of the BRCA2 gene, results from a deletion of one nucleotide at nucleotide position 6809, causing a translational frameshift with a predicted alternate stop codon (p.G2270Efs*10). This variant is considered to be rare based on population cohorts in the Genome Aggregation Database (gnomAD). This alteration is expected to result in loss of function by premature protein truncation or nonsense-mediated mRNA decay. As such, this alteration is interpreted as a disease-causing mutation.

Clinical Genetics Laboratory, Skane University Hospital Lund
Classification: Pathogenic. Last evaluated: 2022-05-27. Review status: criteria provided, single submitter. Criteria: ACMG Guidelines, 2015. Collection method: clinical testing. Allele origin: germline. Affected: yes. Not counted in ClinVar's aggregate classification.

Breast Cancer Information Core (BIC) (BRCA2)
Classification: Pathogenic for Breast-ovarian cancer, familial 2. Last evaluated: 1999-06-22. Review status: no assertion criteria provided. Collection method: clinical testing. Allele origin: germline. Affected: yes. Observed: 2 variant alleles. Not counted in ClinVar's aggregate classification.